The following is an entry in ClinVar:

NM_000051.4(ATM):c.3748T>C (p.Ser1250Pro)

Gene: ATM (ATM serine/threonine kinase; plus strand). Cytogenetic location: 11q22.3.
Variant type: single nucleotide variant.
Coding change: c.3748T>C on transcript NM_000051.4 (MANE Select); coding-DNA position 3748, T replaced by C.
Protein change: p.Ser1250Pro; replaces serine 1250 with proline.
Molecular consequence: missense variant.
Genome position (GRCh38, 1-based): chr11:108,284,228, T>C. VCF-style: chr11-108284228-T-C. GRCh37 (hg19) VCF-style: chr11-108154955-T-C.
Other names: c.3748T>C, p.Ser1250Pro (NM_001351834.2); short protein forms S1250P.
Identifiers: ClinVar variation 824155 (VCV000824155.9), dbSNP rs1555093268, ClinGen allele CA382524179.

ClinVar aggregate classification (germline): Uncertain significance. Review status: criteria provided, multiple submitters, no conflicts (2 of 4 stars). 2 submissions from 2 submitters: Uncertain significance (2). Last evaluated 2021-12-14.

Conditions:
Hereditary cancer-predisposing syndrome. Also called: Neoplastic Syndromes, Hereditary; Hereditary Cancer Syndrome; Hereditary neoplastic syndrome; Tumor predisposition. Identifiers: Orphanet 140162, MedGen C0027672, MeSH D009386, MONDO:0015356.
Ataxia-telangiectasia syndrome (AT). Also called: ATAXIA-TELANGIECTASIA, COMPLEMENTATION GROUP A; ATAXIA-TELANGIECTASIA, FRESNO VARIANT; Ataxia-telangiectasia, complementation group E; Ataxia telangiectasia (A-T); LOUIS-BAR SYNDROME; Cerebello-oculocutaneous telangiectasia. Identifiers: Orphanet 100, MedGen C0004135, MONDO:0008840, OMIM 208900.

gnomAD v4.1: 1 of 1,604,090 alleles (0.000062%); highest among the groups gnomAD compares: Non-Finnish European, 0.000085%; no homozygotes.

Submissions (2):

Labcorp Genetics (formerly Invitae), Labcorp
Classification: Uncertain significance for Ataxia-telangiectasia syndrome. Last evaluated: 2021-12-14. Review status: criteria provided, single submitter. Criteria: Invitae Variant Classification Sherloc (09022015). Collection method: clinical testing. Allele origin: germline.
Comment: This sequence change replaces serine, which is neutral and polar, with proline, which is neutral and non-polar, at codon 1250 of the ATM protein (p.Ser1250Pro). This variant is not present in population databases (gnomAD no frequency). This variant has not been reported in the literature in individuals affected with ATM-related conditions. ClinVar contains an entry for this variant (Variation ID: 824155). Algorithms developed to predict the effect of missense changes on protein structure and function are either unavailable or do not agree on the potential impact of this missense change (SIFT: "Tolerated"; PolyPhen-2: "Possibly Damaging"; Align-GVGD: "Class C0"). In summary, the available evidence is currently insufficient to determine the role of this variant in disease. Therefore, it has been classified as a Variant of Uncertain Significance.

Ambry Genetics
Classification: Uncertain significance for Hereditary cancer-predisposing syndrome. Last evaluated: 2019-06-14. Review status: criteria provided, single submitter. Criteria: Ambry Variant Classification Scheme 2023. Collection method: clinical testing. Allele origin: germline.
Comment: The p.S1250P variant (also known as c.3748T>C), located in coding exon 25 of the ATM gene, results from a T to C substitution at nucleotide position 3748. The serine at codon 1250 is replaced by proline, an amino acid with similar properties. This amino acid position is well conserved in available vertebrate species. In addition, this alteration is predicted to be deleterious by in silico analysis. Since supporting evidence is limited at this time, the clinical significance of this alteration remains unclear.